The following is an entry in ClinVar:

ClinVar aggregate classification (germline): Uncertain significance (1 of 4 stars; one submission).

Conditions:
Inborn genetic diseases. Identifiers: MedGen C0950123, MeSH D030342.

Allele frequency attached by ClinVar (database versions not stated): gnomAD 0.00001; ExAC 0.00002; gnomAD exomes 0.00002; TOPMed 0.00003.

Submission:

Ambry Genetics
Classification: Uncertain significance for Inborn genetic diseases. Last evaluated: 2021-11-15. Review status: criteria provided, single submitter. Criteria: Ambry Variant Classification Scheme 2023. Collection method: clinical testing. Allele origin: germline.
Comment: The c.676C>T (p.R226*) alteration, located in exon 2 (coding exon 2) of the MYOC gene, consists of a C to T substitution at nucleotide position 676. This changes the amino acid from a arginine (R) to a stop codon at amino acid position 226. Premature stop codons are typically deleterious in nature (Richards, 2015). Based on insufficient or conflicting evidence, the clinical significance of this alteration remains unclear.

NM_000261.2(MYOC):c.676C>T (p.Arg226Ter)

Gene: MYOC (myocilin; minus strand). Cytogenetic location: 1q24.3.
Variant type: single nucleotide variant.
Coding change: c.676C>T on transcript NM_000261.2 (MANE Select); coding-DNA position 676, C replaced by T.
Protein change: p.Arg226Ter; replaces arginine 226 with a stop codon.
Molecular consequence: nonsense.
Genome position (GRCh38, 1-based): chr1:171,638,651, G>A on the plus strand (C>T on the coding strand, the complement: MYOC is on the minus strand). VCF-style: chr1-171638651-G-A. GRCh37 (hg19) VCF-style: chr1-171607791-G-A.
Other names: short protein forms R226*.
Identifiers: ClinVar variation 2376683 (VCV002376683.2), dbSNP rs765191378, ClinGen allele CA1244195.
Genomic context (GRCh38, chr1:171,638,651, plus strand): 5'-TCATACCGGTGTCTCCCTCTCCACTCCTGAGATAGCCAGATGGGCTCTCCTTCAAAATTC[G>A]GGAAGCAGGAACTTCAGTTAGCTCGGACTTCAGTTCCTGGAAGGCCAAAGTGTCCAAATT-3'